The following is an entry in ClinVar:

NM_000744.7(CHRNA4):c.1361G>A (p.Gly454Asp)

Gene: CHRNA4 (cholinergic receptor nicotinic alpha 4 subunit; minus strand). Cytogenetic location: 20q13.33.
Variant type: single nucleotide variant.
Coding change: c.1361G>A on transcript NM_000744.7 (MANE Select); coding-DNA position 1361, G replaced by A.
Protein change: p.Gly454Asp; replaces glycine 454 with aspartic acid.
Molecular consequence: missense variant. On other transcripts: non-coding transcript variant (1).
Genome position (GRCh38, 1-based): chr20:63,350,050, C>T on the plus strand (G>A on the coding strand, the complement: CHRNA4 is on the minus strand). VCF-style: chr20-63350050-C-T. GRCh37 (hg19) VCF-style: chr20-61981402-C-T.
Other names: c.833G>A, p.Gly278Asp (NM_001256573.2); short protein forms G278D, G454D.
Identifiers: ClinVar variation 2430637 (VCV002430637.2), dbSNP rs2068561991, ClinGen allele CA409633789.

ClinVar aggregate classification (germline): Uncertain significance (1 of 4 stars; one submission).

Allele frequency attached by ClinVar (database versions not stated): TOPMed below 0.00001; gnomAD exomes below 0.00001.
gnomAD v4.1: 1 of 1,512,888 alleles (0.000066%); highest among the groups gnomAD compares: Non-Finnish European, 0.000089%; no homozygotes.

Submission:

GeneDx
Classification: Uncertain significance. Last evaluated: 2026-08-11. Review status: criteria provided, single submitter. Criteria: GeneDx Variant Classification Process June 2021. Collection method: clinical testing. Allele origin: germline.
Comment: Not observed at significant frequency in large population cohorts (gnomAD); In silico analysis suggests that this missense variant does not alter protein structure/function; Has not been previously published as pathogenic or benign to our knowledge